The following is an entry in ClinVar:

ClinVar aggregate classification (germline): Conflicting classifications of pathogenicity. Review status: criteria provided, conflicting classifications (1 of 4 stars). 9 submissions from 9 submitters: Uncertain significance (1); Likely benign (6). 2 of the submissions do not count toward it. Last evaluated 2026-09-01.

Conditions:
FKRP-related disorder. Also called: FKRP-related condition.
Cardiovascular phenotype. Identifiers: MedGen CN230736.
Walker-Warburg congenital muscular dystrophy. Also called: Muscular dystrophy-dystroglycanopathy, type A; Walker-Warburg syndrome. Identifiers: Orphanet 899, MedGen C0265221, MONDO:0000171.
Autosomal recessive limb-girdle muscular dystrophy type 2I. Also called: MUSCULAR DYSTROPHY-DYSTROGLYCANOPATHY, LIMB-GIRDLE, FRKP-RELATED; MUSCULAR DYSTROPHY, LIMB-GIRDLE, TYPE 2I; MUSCULAR DYSTROPHY-DYSTROGLYCANOPATHY (LIMB-GIRDLE), TYPE C, 5. Identifiers: Orphanet 34515, MedGen C1846672, MONDO:0011787, OMIM 607155.

Allele frequency attached by ClinVar (database versions not stated): ESP Exome Variant Server 0.00008; gnomAD 0.00015 and 0.00016; TOPMed 0.00015; gnomAD exomes 0.00019 and 0.00022; ExAC 0.00027; 1000 Genomes Project 30x 0.00031; 1000 Genomes Project 0.00040.
gnomAD v4.1: 338 of 1,608,972 alleles (0.021%); highest among the groups gnomAD compares: Admixed American, 0.027%; no homozygotes.

Submissions (9):

CeGaT Center for Human Genetics Tuebingen
Classification: Likely benign. Last evaluated: 2026-09-01. Review status: criteria provided, single submitter. Criteria: CeGaT Center For Human Genetics Tuebingen Variant Classification Criteria Version 2. Collection method: clinical testing. Allele origin: germline. Affected: yes. Observed: 4 variant alleles.
Comment: FKRP: BP4, BP7

Labcorp Genetics (formerly Invitae), Labcorp
Classification: Likely benign for Walker-Warburg congenital muscular dystrophy. Last evaluated: 2026-01-23. Review status: criteria provided, single submitter. Criteria: Invitae Variant Classification Sherloc (09022015). Collection method: clinical testing. Allele origin: germline.

Women's Health and Genetics/Laboratory Corporation of America, LabCorp
Classification: Likely benign. Last evaluated: 2025-02-08. Review status: criteria provided, single submitter. Criteria: LabCorp Variant Classification Summary - May 2015. Collection method: clinical testing. Allele origin: germline.

Blueprint Genetics
Classification: Likely benign. Last evaluated: 2024-11-25. Review status: criteria provided, single submitter. Criteria: ACMG Guidelines, 2015. Collection method: clinical testing. Allele origin: germline.

GeneDx
Classification: Likely benign. Last evaluated: 2021-06-21. Review status: criteria provided, single submitter. Criteria: GeneDx Variant Classification Process June 2021. Collection method: clinical testing. Allele origin: germline. Affected: yes.
Comment: This variant is associated with the following publications: (PMID: 16344347, 27535533)

Ambry Genetics
Classification: Likely benign for Cardiovascular phenotype. Last evaluated: 2019-11-12. Review status: criteria provided, single submitter. Criteria: Ambry Variant Classification Scheme 2023. Collection method: clinical testing. Allele origin: germline.

Eurofins Ntd Llc (ga)
Classification: Uncertain significance. Last evaluated: 2017-04-14. Review status: criteria provided, single submitter. Criteria: EGL Classification Definitions 2015. Collection method: clinical testing. Allele origin: germline. Observed: 1 variant allele, 1 heterozygote.

PreventionGenetics, part of Exact Sciences
Classification: Likely benign for FKRP-related condition. Last evaluated: 2021-06-18. Review status: no assertion criteria provided. Collection method: clinical testing. Allele origin: germline. Not counted in ClinVar's aggregate classification.
Comment: This variant is classified as likely benign based on ACMG/AMP sequence variant interpretation guidelines (Richards et al. 2015 PMID: 25741868, with internal and published modifications).

Natera, Inc.
Classification: Likely benign for Limb-girdle muscular dystrophy type 2I. Last evaluated: 2020-09-16. Review status: no assertion criteria provided. Collection method: clinical testing. Allele origin: germline. Not counted in ClinVar's aggregate classification.

NM_024301.5(FKRP):c.1405C>T (p.Leu469=)

Gene: FKRP (fukutin related protein; plus strand). Cytogenetic location: 19q13.32.
Variant type: single nucleotide variant.
Coding change: c.1405C>T on transcript NM_024301.5 (MANE Select); coding-DNA position 1405, C replaced by T.
Protein change: p.Leu469=; no amino-acid change (leucine 469 retained).
Molecular consequence: synonymous variant.
Genome position (GRCh38, 1-based): chr19:46,756,855, C>T. VCF-style: chr19-46756855-C-T. GRCh37 (hg19) VCF-style: chr19-47260112-C-T.
Other names: c.1405C>T, p.Leu469= (NM_001039885.3).
Identifiers: ClinVar variation 386889 (VCV000386889.49), dbSNP rs143129484, ClinGen allele CA9532315.
Genomic context (GRCh38, chr19:46,756,855, plus strand): 5'-CTGGTGCCCCTGCCCTTTGCCGGCTTCGTGGCGCAGGCGCCTAACAACTACCGCCGCTTC[C>T]TGGAGCTCAAGTTCGGGCCCGGGGTCATCGAGAACCCCCAGTACCCCAACCCGGCACTGC-3'
Protein context (NP_077277.1, residues 459-479): AQAPNNYRRF[Leu469=]ELKFGPGVIE